The following is an entry in ClinVar:

GRCh38/hg38 5q32(chr5:150365489-150381740)x3

Gene: TCOF1 (treacle ribosome biogenesis factor 1; plus strand). Cytogenetic location: 5q32.
Variant type: copy number gain.
Change: copy number 3 (three copies instead of two) of chr5:150,365,489-150,381,740 (16.3 kb, GRCh38 coordinates, 1-based), cytogenetic band 5q32.
Identifiers: ClinVar variation 57111 (VCV000057111.1).

ClinVar aggregate classification (germline): Pathogenic (1 of 4 stars; one submission).

Submission:

ISCA site 4
Classification: Pathogenic. Last evaluated: 2011-08-12. Review status: criteria provided, single submitter. Criteria: Kaminsky et al. (Genet Med. 2011). Collection method: clinical testing. Allele origin: unknown. Affected: yes. Observed: 1 variant allele.
Comment: Copy number variation identified through the course of routine clinical cytogenomic testing in postnatal populations. Clinical assertions have been curated as described in Kaminsky et al. 2011.